The following is an entry in ClinVar:

ClinVar aggregate classification (germline): Pathogenic (1 of 4 stars; one submission).

Conditions:
GM3 synthase deficiency (SPDRS). Also called: SALT AND PEPPER MENTAL RETARDATION SYNDROME; SALT AND PEPPER DEVELOPMENTAL REGRESSION SYNDROME; AMISH INFANTILE EPILEPSY SYNDROME. Identifiers: Orphanet 171714, Orphanet 370933, MedGen C1836824, MONDO:0018274, OMIM 609056.

gnomAD v4.1: 38 of 1,614,162 alleles (0.0024%); highest among the groups gnomAD compares: Non-Finnish European, 0.0029%; no homozygotes.

Submission:

Labcorp Genetics (formerly Invitae), Labcorp
Classification: Pathogenic for GM3 synthase deficiency. Last evaluated: 2023-12-09. Review status: criteria provided, single submitter. Criteria: Invitae Variant Classification Sherloc (09022015). Collection method: clinical testing. Allele origin: germline.
Comment: This sequence change creates a premature translational stop signal (p.Arg52*) in the ST3GAL5 gene. It is expected to result in an absent or disrupted protein product. Loss-of-function variants in ST3GAL5 are known to be pathogenic (PMID: 15502825, 22990144, 27232954). This variant is present in population databases (rs748497823, gnomAD 0.006%). This variant has not been reported in the literature in individuals affected with ST3GAL5-related conditions. For these reasons, this variant has been classified as Pathogenic.

Literature cited by the submitters: PubMed 15502825; PubMed 22990144; PubMed 27232954.

NM_003896.4(ST3GAL5):c.154C>T (p.Arg52Ter)

Gene: ST3GAL5 (ST3 beta-galactoside alpha-2,3-sialyltransferase 5; minus strand). Cytogenetic location: 2p11.2.
Variant type: single nucleotide variant.
Coding change: c.154C>T on transcript NM_003896.4 (MANE Select); coding-DNA position 154, C replaced by T.
Protein change: p.Arg52Ter; replaces arginine 52 with a stop codon.
Molecular consequence: nonsense. On other transcripts: 5 prime UTR variant (5).
Genome position (GRCh38, 1-based): chr2:85,863,414, G>A on the plus strand (C>T on the coding strand, the complement: ST3GAL5 is on the minus strand). VCF-style: chr2-85863414-G-A. GRCh37 (hg19) VCF-style: chr2-86090537-G-A.
Other names: c.85C>T, p.Arg29Ter (NM_001042437.2); c.-408C>T (NM_001354223.2, NM_001354226.2); c.-471C>T (NM_001354224.2); c.70C>T, p.Arg24Ter (NM_001354227.2, NM_001354229.2, NM_001354238.1); c.-848C>T (NM_001354233.2); c.-812C>T (NM_001354234.1); c.154C>T, p.Arg52Ter (NM_001363847.1); short protein forms R29*, R24*, R52*.
Identifiers: ClinVar variation 2887009 (VCV002887009.3), dbSNP rs748497823, ClinGen allele CA1745150.